The following is an entry in ClinVar:

NM_000255.4(MMUT):c.927G>C (p.Trp309Cys)

Gene: MMUT (methylmalonyl-CoA mutase; minus strand). Cytogenetic location: 6p12.3.
Variant type: single nucleotide variant.
Coding change: c.927G>C on transcript NM_000255.4 (MANE Select); coding-DNA position 927, G replaced by C.
Protein change: p.Trp309Cys; replaces tryptophan 309 with cysteine.
Molecular consequence: missense variant.
Genome position (GRCh38, 1-based): chr6:49,453,741, C>G on the plus strand (G>C on the coding strand, the complement: MMUT is on the minus strand). VCF-style: chr6-49453741-C-G. GRCh37 (hg19) VCF-style: chr6-49421454-C-G.
Other names: short protein forms W309C.
Identifiers: ClinVar variation 2905036 (VCV002905036.3), dbSNP rs879253836, ClinGen allele CA364401018.

ClinVar aggregate classification (germline): Likely pathogenic (1 of 4 stars; one submission).

Submission:

Labcorp Genetics (formerly Invitae), Labcorp
Classification: Likely pathogenic. Last evaluated: 2023-06-06. Review status: criteria provided, single submitter. Criteria: Invitae Variant Classification Sherloc (09022015). Collection method: clinical testing. Allele origin: germline.
Comment: In summary, the currently available evidence indicates that the variant is pathogenic, but additional data are needed to prove that conclusively. Therefore, this variant has been classified as Likely Pathogenic. This variant disrupts the Trp369 amino acid residue in MUT. Other variant(s) that disrupt this residue have been determined to be pathogenic (PMID: 19806564, 26454439, 28101778, 35361390). This suggests that this residue is clinically significant, and that variants that disrupt this residue are likely to be disease-causing. Advanced modeling of protein sequence and biophysical properties (such as structural, functional, and spatial information, amino acid conservation, physicochemical variation, residue mobility, and thermodynamic stability) performed at Invitae indicates that this missense variant is expected to disrupt MUT protein function. This variant has not been reported in the literature in individuals affected with MUT-related conditions. This variant is not present in population databases (gnomAD no frequency). This sequence change replaces tryptophan, which is neutral and slightly polar, with cysteine, which is neutral and slightly polar, at codon 309 of the MUT protein (p.Trp309Cys).

Literature cited by the submitters: PubMed 19806564; PubMed 26454439; PubMed 28101778; PubMed 35361390.